The following is an entry in ClinVar:

ClinVar aggregate classification (germline): Conflicting classifications of pathogenicity. Review status: criteria provided, conflicting classifications (1 of 4 stars). 4 submissions from 4 submitters: Uncertain significance (1); Likely benign (3). Last evaluated 2025-12-19.

Conditions:
Kufor-Rakeb syndrome (KRS). Also called: PARKINSON DISEASE 9, AUTOSOMAL RECESSIVE, JUVENILE-ONSET. Identifiers: Orphanet 306674, Orphanet 314632, MedGen C1847640, MONDO:0011706, OMIM 606693.
Autosomal recessive spastic paraplegia type 78. Identifiers: Orphanet 513436, MedGen C5567893, MONDO:0014975, OMIM 617225.

Allele frequency attached by ClinVar (database versions not stated): ExAC 0.00001; ESP Exome Variant Server 0.00008; gnomAD 0.00014.
gnomAD v4.1: 77 of 1,613,868 alleles (0.0048%); highest among the groups gnomAD compares: Admixed American, 0.043%; no homozygotes.

Submissions (4):

Labcorp Genetics (formerly Invitae), Labcorp
Classification: Likely benign for Kufor-Rakeb syndrome; Autosomal recessive spastic paraplegia type 78. Last evaluated: 2025-12-19. Review status: criteria provided, single submitter. Criteria: Invitae Variant Classification Sherloc (09022015). Collection method: clinical testing. Allele origin: germline.

Mayo Clinic Laboratories, Mayo Clinic
Classification: Likely benign. Last evaluated: 2025-08-14. Review status: criteria provided, single submitter. Criteria: ACMG Guidelines, 2015. Collection method: clinical testing. Allele origin: germline. Observed: 1 variant allele.
Comment: BP4, BP7

GeneDx
Classification: Uncertain significance. Last evaluated: 2024-03-22. Review status: criteria provided, single submitter. Criteria: GeneDx Variant Classification Process June 2021. Collection method: clinical testing. Allele origin: germline. Affected: yes.
Comment: Has not been previously published as pathogenic or benign to our knowledge; In silico analysis suggests this variant may impact gene splicing. In the absence of RNA/functional studies, the actual effect of this sequence change is unknown.

Blueprint Genetics
Classification: Likely benign. Last evaluated: 2023-10-12. Review status: criteria provided, single submitter. Criteria: ACMG Guidelines, 2015. Collection method: clinical testing. Allele origin: germline.

NM_022089.4(ATP13A2):c.2898C>T (p.Ile966=)

Gene: ATP13A2 (ATPase cation transporting 13A2; minus strand). Cytogenetic location: 1p36.13.
Variant type: single nucleotide variant.
Coding change: c.2898C>T on transcript NM_022089.4 (MANE Select); coding-DNA position 2898, C replaced by T.
Protein change: p.Ile966=; no amino-acid change (isoleucine 966 retained).
Molecular consequence: synonymous variant.
Genome position (GRCh38, 1-based): chr1:16,987,231, G>A on the plus strand (C>T on the coding strand, the complement: ATP13A2 is on the minus strand). VCF-style: chr1-16987231-G-A. GRCh37 (hg19) VCF-style: chr1-17313726-G-A.
Other names: p.Ile966=; c.2883C>T, p.Ile961= (NM_001141973.3); c.2766C>T, p.Ile922= (NM_001141974.3); c.2898C>T (NM_022089.2).
Identifiers: ClinVar variation 2096628 (VCV002096628.7), dbSNP rs369100259, ClinGen allele CA636670.